The following is an entry in ClinVar:

ClinVar aggregate classification (germline): Uncertain significance (1 of 4 stars; one submission).

Conditions:
Leber congenital amaurosis 6 (LCA6). Identifiers: Orphanet 65, MedGen C1854260, MONDO:0013446, OMIM 613826.
Cone-rod dystrophy 13 (CORD13). Identifiers: Orphanet 1872, MedGen C2750720, MONDO:0011987, OMIM 608194.

Allele frequency attached by ClinVar (database versions not stated): TOPMed below 0.00001; gnomAD 0.00001.
gnomAD v4.1: 2 of 1,602,226 alleles (0.00012%); highest among the groups gnomAD compares: Non-Finnish European, 0.000085%; no homozygotes.

Submission:

Labcorp Genetics (formerly Invitae), Labcorp
Classification: Uncertain significance for Leber congenital amaurosis 6; Cone-rod dystrophy 13. Last evaluated: 2022-07-05. Review status: criteria provided, single submitter. Criteria: Invitae Variant Classification Sherloc (09022015). Collection method: clinical testing. Allele origin: germline.
Comment: ClinVar contains an entry for this variant (Variation ID: 1401004). This variant has not been reported in the literature in individuals affected with RPGRIP1-related conditions. This variant is not present in population databases (gnomAD no frequency). This sequence change replaces leucine, which is neutral and non-polar, with arginine, which is basic and polar, at codon 413 of the RPGRIP1 protein (p.Leu413Arg). Algorithms developed to predict the effect of missense changes on protein structure and function (SIFT, PolyPhen-2, Align-GVGD) all suggest that this variant is likely to be disruptive. In summary, the available evidence is currently insufficient to determine the role of this variant in disease. Therefore, it has been classified as a Variant of Uncertain Significance.

NM_020366.4(RPGRIP1):c.1238T>G (p.Leu413Arg)

Gene: RPGRIP1 (RPGR interacting protein 1; plus strand). Cytogenetic location: 14q11.2.
Variant type: single nucleotide variant.
Coding change: c.1238T>G on transcript NM_020366.4 (MANE Select); coding-DNA position 1238, T replaced by G.
Protein change: p.Leu413Arg; replaces leucine 413 with arginine.
Molecular consequence: missense variant.
Genome position (GRCh38, 1-based): chr14:21,317,782, T>G. VCF-style: chr14-21317782-T-G. GRCh37 (hg19) VCF-style: chr14-21785941-T-G.
Other names: c.164T>G, p.Leu55Arg (NM_001377523.1, NM_001377948.1, NM_001377949.1 and 1 more transcripts); short protein forms L413R, L55R.
Identifiers: ClinVar variation 1401004 (VCV001401004.7), dbSNP rs1486475994, ClinGen allele CA388864127.